The following is an entry in ClinVar:

ClinVar aggregate classification (germline): Uncertain significance. Review status: criteria provided, multiple submitters, no conflicts (2 of 4 stars). 2 submissions from 2 submitters: Uncertain significance (2). Last evaluated 2022-06-27.

Conditions:
Glycogen storage disease due to muscle beta-enolase deficiency (GSD13). Also called: Glycogen Storage Disease Type XIII; ENOLASE 3 DEFICIENCY; ENOLASE-BETA DEFICIENCY; GSD XIII. Identifiers: Orphanet 99849, MedGen C2752027, MONDO:0013046, OMIM 612932.
Inborn genetic diseases. Identifiers: MedGen C0950123, MeSH D030342.

Allele frequency attached by ClinVar (database versions not stated): ExAC 0.00001; gnomAD exomes 0.00001; TOPMed 0.00002.

Submissions (2):

Labcorp Genetics (formerly Invitae), Labcorp
Classification: Uncertain significance for Glycogen storage disease due to muscle beta-enolase deficiency. Last evaluated: 2022-06-27. Review status: criteria provided, single submitter. Criteria: Invitae Variant Classification Sherloc (09022015). Collection method: clinical testing. Allele origin: germline.
Comment: In summary, the available evidence is currently insufficient to determine the role of this variant in disease. Therefore, it has been classified as a Variant of Uncertain Significance. Algorithms developed to predict the effect of sequence changes on RNA splicing suggest that this variant may create or strengthen a splice site. Algorithms developed to predict the effect of missense changes on protein structure and function are either unavailable or do not agree on the potential impact of this missense change (SIFT: "Deleterious"; PolyPhen-2: "Possibly Damaging"; Align-GVGD: "Class C0"). This variant has not been reported in the literature in individuals affected with ENO3-related conditions. This variant is present in population databases (rs760762359, gnomAD 0.01%). This sequence change replaces serine, which is neutral and polar, with arginine, which is basic and polar, at codon 282 of the ENO3 protein (p.Ser282Arg).

Ambry Genetics
Classification: Uncertain significance for Inborn genetic diseases. Last evaluated: 2021-10-22. Review status: criteria provided, single submitter. Criteria: Ambry Variant Classification Scheme 2023. Collection method: clinical testing. Allele origin: germline.

NM_053013.4(ENO3):c.846C>G (p.Ser282Arg)

Gene: ENO3 (enolase 3; plus strand). Cytogenetic location: 17p13.2.
Variant type: single nucleotide variant.
Coding change: c.846C>G on transcript NM_053013.4 (MANE Select); coding-DNA position 846, C replaced by G.
Protein change: p.Ser282Arg; replaces serine 282 with arginine.
Molecular consequence: missense variant.
Genome position (GRCh38, 1-based): chr17:4,955,585, C>G. VCF-style: chr17-4955585-C-G. GRCh37 (hg19) VCF-style: chr17-4858880-C-G.
Other names: c.717C>G, p.Ser239Arg (NM_001193503.2); c.846C>G, p.Ser282Arg (NM_001374523.1, NM_001976.5); c.873C>G, p.Ser291Arg (NM_001374524.1); c.846C>G (NM_053013.3); short protein forms S282R, S239R, S291R.
Identifiers: ClinVar variation 2183409 (VCV002183409.4), dbSNP rs760762359, ClinGen allele CA8316452.